The following is an entry in ClinVar:

NM_007254.4(PNKP):c.636+1G>C

Gene: PNKP (polynucleotide kinase 3'-phosphatase; minus strand). Cytogenetic location: 19q13.33.
Variant type: single nucleotide variant.
Coding change: c.636+1G>C on transcript NM_007254.4 (MANE Select); the canonical splice donor site of the intron after coding-DNA position 636, G replaced by C.
Molecular consequence: splice donor variant.
Genome position (GRCh38, 1-based): chr19:49,864,178, C>G on the plus strand (G>C on the coding strand, the complement: PNKP is on the minus strand). VCF-style: chr19-49864178-C-G. GRCh37 (hg19) VCF-style: chr19-50367435-C-G.
Identifiers: ClinVar variation 1522783 (VCV001522783.8), dbSNP rs1247055716, ClinGen allele CA406886582.
Genomic context (GRCh38, chr19:49,864,178, plus strand): 5'-GGTCTGACTGCGGTCGGACCGCCACGTGCACGTGCCCATGCAGACAGGCGGCTGCACATA[C>G]CTTGTAGCCCTCGGCTTCCAGCTCTCGGAGCTTACGGGGAATCTCTGGGTACAAGATCCT-3'

ClinVar aggregate classification (germline): Likely pathogenic (1 of 4 stars; one submission).

Conditions:
Developmental and epileptic encephalopathy, 12 (DEE12). Identifiers: MedGen C3150988, MONDO:0013389, OMIM 613722.

Submission:

Labcorp Genetics (formerly Invitae), Labcorp
Classification: Likely pathogenic for Developmental and epileptic encephalopathy, 12. Last evaluated: 2021-02-28. Review status: criteria provided, single submitter. Criteria: Invitae Variant Classification Sherloc (09022015). Collection method: clinical testing. Allele origin: germline.
Comment: This sequence change affects a donor splice site in intron 6 of the PNKP gene. It is expected to disrupt RNA splicing. Variants that disrupt the donor or acceptor splice site typically lead to a loss of protein function (PMID: 16199547), and loss-of-function variants in PNKP are known to be pathogenic (PMID: 20118933, 25728773). This variant is not present in population databases (ExAC no frequency). This variant has not been reported in the literature in individuals with PNKP-related conditions. Algorithms developed to predict the effect of sequence changes on RNA splicing suggest that this variant may disrupt the consensus splice site, but this prediction has not been confirmed by published transcriptional studies. In summary, the currently available evidence indicates that the variant is pathogenic, but additional data are needed to prove that conclusively. Therefore, this variant has been classified as Likely Pathogenic.

Literature cited by the submitters: PubMed 16199547; PubMed 20118933; PubMed 25728773.